The following is an entry in ClinVar:

NM_000531.6(OTC):c.689C>T (p.Thr230Ile)

Gene: OTC (ornithine transcarbamylase; plus strand). Cytogenetic location: Xp11.4.
Variant type: single nucleotide variant.
Coding change: c.689C>T on transcript NM_000531.6 (MANE Select); coding-DNA position 689, C replaced by T.
Protein change: p.Thr230Ile; replaces threonine 230 with isoleucine.
Molecular consequence: missense variant.
Genome position (GRCh38, 1-based): chrX:38,408,767, C>T. VCF-style: chrX-38408767-C-T. GRCh37 (hg19) VCF-style: chrX-38268020-C-T.
Other names: c.689C>T, p.Thr230Ile (NM_001407092.1); short protein forms T230I.
Identifiers: ClinVar variation 3071488 (VCV003071488.2), dbSNP rs1336562810, ClinGen allele CA412721406.

ClinVar aggregate classification (germline): Uncertain significance. Review status: criteria provided, multiple submitters, no conflicts (2 of 4 stars). 2 submissions from 2 submitters: Uncertain significance (2). Last evaluated 2025-05-31.

Conditions:
Ornithine carbamoyltransferase deficiency (OTCD). Also called: ORNITHINE TRANSCARBAMYLASE DEFICIENCY; ORNITHINE TRANSCARBAMYLASE DEFICIENCY, HYPERAMMONEMIA DUE TO; OTC DEFICIENCY; Ornithine Carbamoyltransferase Deficiency Disease. Identifiers: Orphanet 664, MedGen C0268542, MONDO:0010703, OMIM 311250.

Allele frequency attached by ClinVar (database versions not stated): TOPMed below 0.00001; gnomAD 0.00002.
gnomAD v4.1: 3 of 1,203,995 alleles (0.00025%); highest among the groups gnomAD compares: South Asian, 0.0018%; no homozygotes.

Submissions (2):

Color Diagnostics, LLC DBA Color Health
Classification: Uncertain significance for Ornithine carbamoyltransferase deficiency. Last evaluated: 2025-05-31. Review status: criteria provided, single submitter. Criteria: ACMG Guidelines, 2015. Collection method: clinical testing. Allele origin: germline.
Comment: This missense variant replaces threonine with isoleucine at codon 230 of the OTC protein. Computational prediction is inconclusive regarding the impact of this variant on protein structure and function. To our knowledge, functional studies have not been reported for this variant. This variant has not been reported in individuals affected with OTC-related disorders in the literature. This variant has not been identified in the general population by the Genome Aggregation Database (gnomAD). The available evidence is insufficient to determine the role of this variant in disease conclusively. Therefore, this variant is classified as a Variant of Uncertain Significance.

All of Us Research Program, National Institutes of Health
Classification: Uncertain significance for Ornithine carbamoyltransferase deficiency. Last evaluated: 2023-06-08. Review status: criteria provided, single submitter. Criteria: ACMG Guidelines, 2015. Collection method: clinical testing. Allele origin: germline. Inheritance: X-linked inheritance. Observed: 1 variant allele, 1 heterozygote.
Comment: This missense variant replaces threonine with isoleucine at codon 230 of the OTC protein. Computational prediction is inconclusive regarding the impact of this variant on protein structure and function (internally defined REVEL score threshold 0.5 < inconclusive < 0.7, PMID: 27666373). To our knowledge, functional studies have not been reported for this variant. This variant has not been reported in individuals affected with OTC-related disorders in the literature. This variant has not been identified in the general population by the Genome Aggregation Database (gnomAD). The available evidence is insufficient to determine the role of this variant in disease conclusively. Therefore, this variant is classified as a Variant of Uncertain Significance.

This study involves interpretation of variants in research participants for the purpose of population health screening. Participant phenotype was not available at the time of variant classification. Additional details can be found in publication PMID: 35346344, PMCID: PMC8962531